The following is an entry in ClinVar:

NM_001267550.2(TTN):c.11687A>G (p.Asn3896Ser)

Gene: TTN (titin; minus strand). Cytogenetic location: 2q31.2.
Variant type: single nucleotide variant.
Coding change: c.11687A>G on transcript NM_001267550.2 (MANE Select); coding-DNA position 11687, A replaced by G.
Protein change: p.Asn3896Ser; replaces asparagine 3896 with serine.
Molecular consequence: missense variant. On other transcripts: intron variant (1).
Genome position (GRCh38, 1-based): chr2:178,741,546, T>C on the plus strand (A>G on the coding strand, the complement: TTN is on the minus strand). VCF-style: chr2-178741546-T-C. GRCh37 (hg19) VCF-style: chr2-179606273-T-C.
Other names: c.10736A>G, p.Asn3579Ser (NM_001256850.1); c.10598A>G, p.Asn3533Ser (NM_003319.4); c.10973A>G, p.Asn3658Ser (NM_133432.3); c.11174A>G, p.Asn3725Ser (NM_133437.4); c.10361-3186A>G (NM_133378.4); short protein forms N3896S, N3533S, N3579S, N3725S, N3658S.
Identifiers: ClinVar variation 466788 (VCV000466788.7), dbSNP rs1207560844, ClinGen allele CA349620030.
Genomic context (GRCh38, chr2:178,741,546, plus strand): 5'-TGACCCTCTCCTTTGGAATTAATTTTTAGATAGGCACTACATATTGTCTTTCCATAGTCA[T>C]TACTGGCCATACATGTATACTCTCCCTCATCCTCCAATTTGGTGAACAGAATGATCAGGC-3'
Protein context (NP_001254479.2, residues 3886-3906): DEGEYTCMAS[Asn3896Ser]DYGKTICSAY

ClinVar aggregate classification (germline): Uncertain significance. Review status: criteria provided, multiple submitters, no conflicts (2 of 4 stars). 2 submissions from 2 submitters: Uncertain significance (2). Last evaluated 2017-02-05.

Conditions:
Autosomal recessive limb-girdle muscular dystrophy type 2J (LGMDR10). Also called: Limb-girdle muscular dystrophy, type 2J; MUSCULAR DYSTROPHY, LIMB-GIRDLE, AUTOSOMAL RECESSIVE 10. Identifiers: Orphanet 140922, MedGen C1837342, MONDO:0012127, OMIM 608807.
Dilated cardiomyopathy 1G (CMD1G). Identifiers: Orphanet 154, MedGen C1858763, MONDO:0011400, OMIM 604145.
Cardiovascular phenotype. Identifiers: MedGen CN230736.

Allele frequency attached by ClinVar (database versions not stated): gnomAD exomes below 0.00001; TOPMed below 0.00001; gnomAD 0.00001.
gnomAD v4.1: 4 of 1,613,796 alleles (0.00025%); highest among the groups gnomAD compares: Admixed American, 0.0017%; no homozygotes.

Submissions (2):

Labcorp Genetics (formerly Invitae), Labcorp
Classification: Uncertain significance for Dilated cardiomyopathy 1G; Autosomal recessive limb-girdle muscular dystrophy type 2J. Last evaluated: 2017-02-05. Review status: criteria provided, single submitter. Criteria: Invitae Variant Classification Sherloc (09022015). Collection method: clinical testing. Allele origin: germline.

Ambry Genetics
Classification: Uncertain significance for Cardiovascular phenotype. Last evaluated: 2016-09-07. Review status: criteria provided, single submitter. Criteria: Ambry Variant Classification Scheme 2023. Collection method: clinical testing. Allele origin: germline.
Comment: The p.N3533S variant (also known as c.10598A>G), located in coding exon 44 of the TTN gene, results from an A to G substitution at nucleotide position 10598. The asparagine at codon 3533 is replaced by serine, an amino acid with highly similar properties, and is located in the I-band region of the N2-B isoform of the titin protein. This variant was not reported in population based cohorts in the following databases: Database of Single Nucleotide Polymorphisms (dbSNP), NHLBI Exome Sequencing Project (ESP), and 1000 Genomes Project. In the ESP, this variant was not observed in 6016 samples (12032 alleles) with coverage at this position. This amino acid position is highly conserved in available vertebrate species. In addition, this alteration is predicted to be tolerated by in silico analysis. Since supporting evidence is limited at this time, the clinical significance of this alteration remains unclear.